The following is an entry in ClinVar:

ClinVar aggregate classification (germline): Uncertain significance (1 of 4 stars; one submission).

Allele frequency attached by ClinVar (database versions not stated): gnomAD exomes 0.00001 and 0.00002; ExAC 0.00002; gnomAD 0.00006 and 0.00007; TOPMed 0.00009; 1000 Genomes Project 30x 0.00016; 1000 Genomes Project 0.00020.
gnomAD v4.1: 32 of 1,614,232 alleles (0.002%); highest among the groups gnomAD compares: Admixed American, 0.01%; no homozygotes.

Submission:

Labcorp Genetics (formerly Invitae), Labcorp
Classification: Uncertain significance. Last evaluated: 2023-05-09. Review status: criteria provided, single submitter. Criteria: Invitae Variant Classification Sherloc (09022015). Collection method: clinical testing. Allele origin: germline.
Comment: In summary, the available evidence is currently insufficient to determine the role of this variant in disease. Therefore, it has been classified as a Variant of Uncertain Significance. Algorithms developed to predict the effect of sequence changes on RNA splicing suggest that this variant may create or strengthen a splice site. Advanced modeling of protein sequence and biophysical properties (such as structural, functional, and spatial information, amino acid conservation, physicochemical variation, residue mobility, and thermodynamic stability) performed at Invitae indicates that this missense variant is not expected to disrupt MAP3K20 protein function. ClinVar contains an entry for this variant (Variation ID: 1503206). This variant has not been reported in the literature in individuals affected with MAP3K20-related conditions. This variant is present in population databases (rs563182086, gnomAD 0.004%). This sequence change replaces cysteine, which is neutral and slightly polar, with arginine, which is basic and polar, at codon 346 of the MAP3K20 protein (p.Cys346Arg).

NM_016653.3(MAP3K20):c.1036T>C (p.Cys346Arg)

Genes: MAP3K20 (mitogen-activated protein kinase kinase kinase 20; plus strand), MAP3K20-AS1 (MAP3K20 antisense RNA 1; minus strand). Cytogenetic location: 2q31.1.
Variant type: single nucleotide variant.
Coding change: c.1036T>C on transcript NM_016653.3 (MANE Select); coding-DNA position 1036, T replaced by C.
Protein change: p.Cys346Arg; replaces cysteine 346 with arginine.
Molecular consequence: missense variant.
Genome position (GRCh38, 1-based): chr2:173,232,195, T>C. VCF-style: chr2-173232195-T-C. GRCh37 (hg19) VCF-style: chr2-174096923-T-C.
Other names: short protein forms C346R.
Identifiers: ClinVar variation 1503206 (VCV001503206.4), dbSNP rs563182086, ClinGen allele CA1970720.